The following is an entry in ClinVar:

ClinVar aggregate classification (germline): Pathogenic (1 of 4 stars; one submission).

Conditions:
Hereditary angioedema type 1 (HAE1). Identifiers: Orphanet 100050, Orphanet 100051, Orphanet 91378, MedGen C2717906, MONDO:0015053, OMIM 106100.

Submission:

DNA-diagnostics Laboratory, Research Centre For Medical Genetics
Classification: Pathogenic for Hereditary angioedema type 1. Last evaluated: 2024-08-10. Review status: criteria provided, single submitter. Criteria: ACMG Guidelines, 2015. Collection method: research. Allele origin: germline. Inheritance: Autosomal dominant inheritance. Affected: yes. Observed: 1 heterozygote.
Comment: In summary, the c.666_667del variant in SERPING1 meets ACMG/ClinGen SVI guidance criteria to be classified as pathogenic: PVS1, PP4_Str, PS4_Mod, PM2_Sup

Literature cited by the submitters: DOI 10.1016/j.molimm.2008.05.007.

NM_000062.3(SERPING1):c.666_667del (p.Gln223fs)

Gene: SERPING1 (serpin family G member 1; plus strand). Cytogenetic location: 11q12.1.
Variant type: Microsatellite.
Coding change: c.666_667del on transcript NM_000062.3 (MANE Select); coding-DNA positions 666 to 667, 2 bases deleted (TC; older notation c.666_667delTC).
Protein change: p.Gln223fs; shifts the reading frame from glutamine 223.
Molecular consequence: frameshift variant.
Genome position (GRCh38, 1-based): chr11:57,602,150-57,602,151, TC deleted; deleting any 2 consecutive bases within chr11:57,602,146-57,602,151 gives the same sequence; the c. name uses the placement nearest the transcript's 3' end. VCF-style (leftmost placement, unchanged base first): chr11-57602145-GTC-G. GRCh37 (hg19) VCF-style: chr11-57369618-GTC-G.
Other names: c.666_667del, p.Gln223fs (NM_001032295.2); short protein forms Q223fs.
Identifiers: ClinVar variation 3336796 (VCV003336796.2).